The following is an entry in ClinVar:

NM_017999.5(RNF31):c.3119C>T (p.Pro1040Leu)

Gene: RNF31 (ring finger protein 31; plus strand). Cytogenetic location: 14q12.
Variant type: single nucleotide variant.
Coding change: c.3119C>T on transcript NM_017999.5 (MANE Select); coding-DNA position 3119, C replaced by T.
Protein change: p.Pro1040Leu; replaces proline 1040 with leucine.
Molecular consequence: missense variant.
Genome position (GRCh38, 1-based): chr14:24,160,361, C>T. VCF-style: chr14-24160361-C-T. GRCh37 (hg19) VCF-style: chr14-24629570-C-T.
Other names: c.2666C>T, p.Pro889Leu (NM_001310332.2); short protein forms P1040L, P889L.
Identifiers: ClinVar variation 3639356 (VCV003639356.2).

ClinVar aggregate classification (germline): Uncertain significance (1 of 4 stars; one submission).

gnomAD v4.1: 6 of 1,614,192 alleles (0.00037%); highest among the groups gnomAD compares: African/African-American, 0.0013%; no homozygotes.

Submission:

Labcorp Genetics (formerly Invitae), Labcorp
Classification: Uncertain significance. Last evaluated: 2024-11-21. Review status: criteria provided, single submitter. Criteria: Invitae Variant Classification Sherloc (09022015). Collection method: clinical testing. Allele origin: germline.
Comment: This sequence change replaces proline, which is neutral and non-polar, with leucine, which is neutral and non-polar, at codon 1040 of the RNF31 protein (p.Pro1040Leu). This variant is present in population databases (rs776221792, gnomAD 0.0009%). This variant has not been reported in the literature in individuals affected with RNF31-related conditions. An algorithm developed to predict the effect of missense changes on protein structure and function outputs the following: PolyPhen-2: "Benign". The leucine amino acid residue is found in multiple mammalian species, which suggests that this missense change does not adversely affect protein function. In summary, the available evidence is currently insufficient to determine the role of this variant in disease. Therefore, it has been classified as a Variant of Uncertain Significance.